The following is an entry in ClinVar:

NM_182493.3(MYLK3):c.746A>C (p.Lys249Thr)

Gene: MYLK3 (myosin light chain kinase 3; minus strand). Cytogenetic location: 16q11.2.
Variant type: single nucleotide variant.
Coding change: c.746A>C on transcript NM_182493.3 (MANE Select); coding-DNA position 746, A replaced by C.
Protein change: p.Lys249Thr; replaces lysine 249 with threonine.
Molecular consequence: missense variant. On other transcripts: intron variant (1).
Genome position (GRCh38, 1-based): chr16:46,737,966, T>G on the plus strand (A>C on the coding strand, the complement: MYLK3 is on the minus strand). VCF-style: chr16-46737966-T-G. GRCh37 (hg19) VCF-style: chr16-46771878-T-G.
Other names: c.-23+2091A>C (NM_001308301.1); c.746A>C (NM_182493.2); short protein forms K249T.
Identifiers: ClinVar variation 2807271 (VCV002807271.4), dbSNP rs747386009, ClinGen allele CA8038150.

ClinVar aggregate classification (germline): Uncertain significance. Review status: criteria provided, multiple submitters, no conflicts (2 of 4 stars). 2 submissions from 2 submitters: Uncertain significance (2). Last evaluated 2025-08-25.

Allele frequency attached by ClinVar (database versions not stated): ExAC 0.00001; gnomAD 0.00001; gnomAD exomes 0.00001; TOPMed 0.00001.
gnomAD v4.1: 17 of 1,614,004 alleles (0.0011%); highest among the groups gnomAD compares: Non-Finnish European, 0.0014%; no homozygotes.

Submissions (2):

Ambry Genetics
Classification: Uncertain significance. Last evaluated: 2025-08-25. Review status: criteria provided, single submitter. Criteria: Ambry Variant Classification Scheme 2023. Collection method: clinical testing. Allele origin: germline.

Labcorp Genetics (formerly Invitae), Labcorp
Classification: Uncertain significance. Last evaluated: 2024-07-30. Review status: criteria provided, single submitter. Criteria: Invitae Variant Classification Sherloc (09022015). Collection method: clinical testing. Allele origin: germline.
Comment: This sequence change replaces lysine, which is basic and polar, with threonine, which is neutral and polar, at codon 249 of the MYLK3 protein (p.Lys249Thr). This variant is present in population databases (rs747386009, gnomAD 0.002%). This variant has not been reported in the literature in individuals affected with MYLK3-related conditions. An algorithm developed to predict the effect of missense changes on protein structure and function outputs the following: PolyPhen-2: "Benign". The threonine amino acid residue is found in multiple mammalian species, which suggests that this missense change does not adversely affect protein function. In summary, the available evidence is currently insufficient to determine the role of this variant in disease. Therefore, it has been classified as a Variant of Uncertain Significance.